The following is an entry in ClinVar:

NM_004415.4(DSP):c.778-4G>C

Gene: DSP (desmoplakin; plus strand). Cytogenetic location: 6p24.3.
Variant type: single nucleotide variant.
Coding change: c.778-4G>C on transcript NM_004415.4 (MANE Select); 4 bases into the intron before coding-DNA position 778, G replaced by C.
Molecular consequence: intron variant.
Genome position (GRCh38, 1-based): chr6:7,565,355, G>C. VCF-style: chr6-7565355-G-C. GRCh37 (hg19) VCF-style: chr6-7565588-G-C.
Other names: c.778-4G>C (LRG_423t1, NM_001319034.2, NM_001008844.3).
Identifiers: ClinVar variation 534316 (VCV000534316.9), dbSNP rs1296932263, ClinGen allele CA658796705.

ClinVar aggregate classification (germline): Uncertain significance (1 of 4 stars; one submission).

Conditions:
Arrhythmogenic cardiomyopathy with wooly hair and keratoderma. Also called: PALMOPLANTAR KERATODERMA WITH LEFT VENTRICULAR CARDIOMYOPATHY AND WOOLLY HAIR; Carvajal syndrome; Dilated cardiomyopathy with woolly hair and keratoderma; Arrhythmogenic cardiomyopathy with woolly hair and keratoderma. Identifiers: Orphanet 65282, MedGen C1854063, MONDO:0011581, OMIM 605676.
Arrhythmogenic right ventricular dysplasia 8 (ARVD8). Also called: Arrhythmogenic Right Ventricular Dysplasia/Cardiomyopathy 8; ARRHYTHMOGENIC RIGHT VENTRICULAR DYSPLASIA, FAMILIAL, 8; ARRHYTHMOGENIC RIGHT VENTRICULAR CARDIOMYOPATHY 8. Identifiers: MedGen C1843896, MONDO:0011831, OMIM 607450.

gnomAD v4.1: 1 of 1,613,994 alleles (0.000062%); no homozygotes.

Submission:

Labcorp Genetics (formerly Invitae), Labcorp
Classification: Uncertain significance for Arrhythmogenic cardiomyopathy with wooly hair and keratoderma; Arrhythmogenic right ventricular dysplasia 8. Last evaluated: 2017-10-16. Review status: criteria provided, single submitter. Criteria: Invitae Variant Classification Sherloc (09022015). Collection method: clinical testing. Allele origin: germline.
Comment: In summary, the available evidence is currently insufficient to determine the role of this variant in disease. Therefore, it has been classified as a Variant of Uncertain Significance. Algorithms developed to predict the effect of sequence changes on RNA splicing suggest that this variant may disrupt the consensus splice site, but this prediction has not been confirmed by published transcriptional studies. This variant has not been reported in the literature in individuals with DSP-related disease. This variant is not present in population databases (ExAC no frequency). This sequence change falls in intron 6 of the DSP gene. It does not directly change the encoded amino acid sequence of the DSP protein.